The following is an entry in ClinVar:

NM_004415.4(DSP):c.4717G>A (p.Val1573Met)

Gene: DSP (desmoplakin; plus strand). Cytogenetic location: 6p24.3.
Variant type: single nucleotide variant.
Coding change: c.4717G>A on transcript NM_004415.4 (MANE Select); coding-DNA position 4717, G replaced by A.
Protein change: p.Val1573Met; replaces valine 1573 with methionine.
Molecular consequence: missense variant. On other transcripts: intron variant (2).
Genome position (GRCh38, 1-based): chr6:7,580,907, G>A. VCF-style: chr6-7580907-G-A. GRCh37 (hg19) VCF-style: chr6-7581140-G-A.
Other names: c.4050+667G>A (NM_001319034.2); c.3582+1135G>A (NM_001008844.3); short protein forms V1573M.
Identifiers: ClinVar variation 920548 (VCV000920548.17), dbSNP rs370171270, ClinGen allele CA042601.

ClinVar aggregate classification (germline): Conflicting classifications of pathogenicity. Review status: criteria provided, conflicting classifications (1 of 4 stars). 6 submissions from 6 submitters: Uncertain significance (4); Likely benign (2). Last evaluated 2025-11-15.

Conditions:
Cardiomyopathy (CMYO). Also called: Cardiomyopathies. Identifiers: Orphanet 167848, MedGen C0878544, MONDO:0004994, HP:0001638. Inheritance: Various modes of inheritance.
Arrhythmogenic cardiomyopathy with wooly hair and keratoderma. Also called: Carvajal syndrome; PALMOPLANTAR KERATODERMA WITH LEFT VENTRICULAR CARDIOMYOPATHY AND WOOLLY HAIR; Dilated cardiomyopathy with woolly hair and keratoderma; Arrhythmogenic cardiomyopathy with woolly hair and keratoderma. Identifiers: Orphanet 65282, MedGen C1854063, MONDO:0011581, OMIM 605676.
Cardiovascular phenotype. Identifiers: MedGen CN230736.
Arrhythmogenic right ventricular dysplasia 8 (ARVD8). Also called: Arrhythmogenic Right Ventricular Dysplasia/Cardiomyopathy 8; ARRHYTHMOGENIC RIGHT VENTRICULAR DYSPLASIA, FAMILIAL, 8; ARRHYTHMOGENIC RIGHT VENTRICULAR CARDIOMYOPATHY 8. Identifiers: MedGen C1843896, MONDO:0011831, OMIM 607450.

Allele frequency attached by ClinVar (database versions not stated): gnomAD exomes below 0.00001 and 0.00001; ExAC 0.00001; gnomAD 0.00001; 1000 Genomes Project 30x 0.00016; 1000 Genomes Project 0.00020.
gnomAD v4.1: 4 of 1,614,196 alleles (0.00025%); highest among the groups gnomAD compares: East Asian, 0.0022%; no homozygotes.

Submissions (6):

Ambry Genetics
Classification: Uncertain significance for Cardiovascular phenotype. Last evaluated: 2025-11-15. Review status: criteria provided, single submitter. Criteria: Ambry Variant Classification Scheme 2023. Collection method: clinical testing. Allele origin: germline.
Comment: The p.V1573M variant (also known as c.4717G>A), located in coding exon 23 of the DSP gene, results from a G to A substitution at nucleotide position 4717. The valine at codon 1573 is replaced by methionine, an amino acid with highly similar properties. This amino acid position is conserved. In addition, this alteration is predicted to be tolerated by in silico analysis. Since supporting evidence is limited at this time, the clinical significance of this alteration remains unclear.

Color Diagnostics, LLC DBA Color Health
Classification: Likely benign for Cardiomyopathy. Last evaluated: 2025-11-04. Review status: criteria provided, single submitter. Criteria: ACMG Guidelines, 2015. Collection method: clinical testing. Allele origin: germline.

Labcorp Genetics (formerly Invitae), Labcorp
Classification: Likely benign for Arrhythmogenic cardiomyopathy with wooly hair and keratoderma; Arrhythmogenic right ventricular dysplasia 8. Last evaluated: 2025-10-21. Review status: criteria provided, single submitter. Criteria: Invitae Variant Classification Sherloc (09022015). Collection method: clinical testing. Allele origin: germline.

Blueprint Genetics
Classification: Uncertain significance. Last evaluated: 2024-02-22. Review status: criteria provided, single submitter. Criteria: ACMG Guidelines, 2015. Collection method: clinical testing. Allele origin: germline.

All of Us Research Program, National Institutes of Health
Classification: Uncertain significance for Arrhythmogenic cardiomyopathy with wooly hair and keratoderma. Last evaluated: 2023-12-13. Review status: criteria provided, single submitter. Criteria: ACMG Guidelines, 2015. Collection method: clinical testing. Allele origin: germline. Inheritance: Autosomal dominant inheritance. Observed: 4 variant alleles, 4 heterozygotes.
Comment: This missense variant replaces valine with methionine at codon 1573 of the DSP protein. Computational prediction suggests that this variant may not impact protein structure and function (internally defined REVEL score threshold <= 0.5, PMID: 27666373). To our knowledge, functional studies have not been reported for this variant. This variant has not been reported in individuals affected with cardiovascular disorders in the literature. This variant has been identified in 1/250616 chromosomes in the general population by the Genome Aggregation Database (gnomAD). The available evidence is insufficient to determine the role of this variant in disease conclusively. Therefore, this variant is classified as a Variant of Uncertain Significance.

This study involves interpretation of variants in research participants for the purpose of population health screening. Participant phenotype was not available at the time of variant classification. Additional details can be found in publication PMID: 35346344, PMCID: PMC8962531

Women's Health and Genetics/Laboratory Corporation of America, LabCorp
Classification: Uncertain significance. Last evaluated: 2020-09-08. Review status: criteria provided, single submitter. Criteria: LabCorp Variant Classification Summary - May 2015. Collection method: clinical testing. Allele origin: germline.
Comment: Variant summary: DSP c.4717G>A (p.Val1573Met) results in a conservative amino acid change in the encoded protein sequence. Four of five in-silico tools predict a benign effect of the variant on protein function. The variant allele was found at a frequency of 4e-06 in 250616 control chromosomes. The available data on variant occurrences in the general population are insufficient to allow any conclusion about variant significance. To our knowledge, no occurrence of c.4717G>A in individuals affected with Arrhythmogenic Right Ventricular Dysplasia/Cardiomyopathy and no experimental evidence demonstrating its impact on protein function have been reported. One clinical diagnostic laboratory has submitted clinical-significance assessments for this variant to ClinVar after 2014 without evidence for independent evaluation and classified the variant as uncertain significance. Based on the evidence outlined above, the variant was classified as uncertain significance.